The following is an entry in ClinVar:

NM_080424.4(SP110):c.1757A>G (p.Gln586Arg)

Gene: SP110 (SP110 nuclear body protein; minus strand). Cytogenetic location: 2q37.1.
Variant type: single nucleotide variant.
Coding change: c.1757A>G on transcript NM_080424.4 (MANE Select); coding-DNA position 1757, A replaced by G.
Protein change: p.Gln586Arg; replaces glutamine 586 with arginine.
Molecular consequence: missense variant.
Genome position (GRCh38, 1-based): chr2:230,172,124, T>C on the plus strand (A>G on the coding strand, the complement: SP110 is on the minus strand). VCF-style: chr2-230172124-T-C. GRCh37 (hg19) VCF-style: chr2-231036840-T-C.
Other names: c.1775A>G, p.Gln592Arg (NM_001378442.1, NM_001378444.1, NM_001378445.1 and 1 more transcripts); c.1757A>G, p.Gln586Arg (NM_001378443.1, NM_004509.5); c.1757A>G (NM_004509.3); short protein forms Q586R, Q592R.
Identifiers: ClinVar variation 1362748 (VCV001362748.6), dbSNP rs757053890, ClinGen allele CA2154360.

ClinVar aggregate classification (germline): Uncertain significance. Review status: criteria provided, multiple submitters, no conflicts (2 of 4 stars). 2 submissions from 2 submitters: Uncertain significance (2). Last evaluated 2024-12-09.

Conditions:
Inborn genetic diseases. Identifiers: MedGen C0950123, MeSH D030342.
Hepatic veno-occlusive disease-immunodeficiency syndrome. Also called: Hepatic Veno-Occlusive Disease with Immunodeficiency. Identifiers: Orphanet 79124, MedGen C1856128, MONDO:0009338, OMIM 235550. Disease mechanism: loss of function.

Allele frequency attached by ClinVar (database versions not stated): ExAC 0.00002; gnomAD exomes 0.00002; gnomAD 0.00004 and 0.00005.
gnomAD v4.1: 47 of 1,613,806 alleles (0.0029%); highest among the groups gnomAD compares: East Asian, 0.0067%; no homozygotes.

Submissions (2):

Labcorp Genetics (formerly Invitae), Labcorp
Classification: Uncertain significance for Hepatic veno-occlusive disease-immunodeficiency syndrome. Last evaluated: 2024-12-09. Review status: criteria provided, single submitter. Criteria: Invitae Variant Classification Sherloc (09022015). Collection method: clinical testing. Allele origin: germline.
Comment: This sequence change replaces glutamine, which is neutral and polar, with arginine, which is basic and polar, at codon 586 of the SP110 protein (p.Gln586Arg). This variant is present in population databases (rs757053890, gnomAD 0.005%). This variant has not been reported in the literature in individuals affected with SP110-related conditions. ClinVar contains an entry for this variant (Variation ID: 1362748). An algorithm developed to predict the effect of missense changes on protein structure and function outputs the following: PolyPhen-2: "Benign". The arginine amino acid residue is found in multiple mammalian species, which suggests that this missense change does not adversely affect protein function. In summary, the available evidence is currently insufficient to determine the role of this variant in disease. Therefore, it has been classified as a Variant of Uncertain Significance.

Ambry Genetics
Classification: Uncertain significance for Inborn genetic diseases. Last evaluated: 2024-08-19. Review status: criteria provided, single submitter. Criteria: Ambry Variant Classification Scheme 2023. Collection method: clinical testing. Allele origin: germline.